The following is an entry in ClinVar:

ClinVar aggregate classification (germline): Uncertain significance (1 of 4 stars; one submission).

Conditions:
Hypertrophic cardiomyopathy. Also called: HYPERTROPHIC MYOCARDIOPATHY. Identifiers: Orphanet 217569, MedGen C0007194, MeSH D002312, MONDO:0005045, HP:0001639.

Submission:

Labcorp Genetics (formerly Invitae), Labcorp
Classification: Uncertain significance for Hypertrophic cardiomyopathy. Last evaluated: 2024-06-17. Review status: criteria provided, single submitter. Criteria: Invitae Variant Classification Sherloc (09022015). Collection method: clinical testing. Allele origin: germline.
Comment: This sequence change replaces valine, which is neutral and non-polar, with glycine, which is neutral and non-polar, at codon 44 of the TPM1 protein (p.Val44Gly). This variant is not present in population databases (gnomAD no frequency). This variant has not been reported in the literature in individuals affected with TPM1-related conditions. An algorithm developed to predict the effect of missense changes on protein structure and function (PolyPhen-2) suggests that this variant is likely to be tolerated. In summary, the available evidence is currently insufficient to determine the role of this variant in disease. Therefore, it has been classified as a Variant of Uncertain Significance.

NM_001018005.2(TPM1):c.131T>G (p.Val44Gly)

Gene: TPM1 (tropomyosin 1; plus strand). Cytogenetic location: 15q22.2.
Variant type: single nucleotide variant.
Coding change: c.131T>G on transcript NM_001018005.2 (MANE Select); coding-DNA position 131, T replaced by G.
Protein change: p.Val44Gly; replaces valine 44 with glycine.
Molecular consequence: missense variant. On other transcripts: non-coding transcript variant (12), intron variant (10).
Genome position (GRCh38, 1-based): chr15:63,044,043, T>G. VCF-style: chr15-63044043-T-G. GRCh37 (hg19) VCF-style: chr15-63336242-T-G.
Other names: c.131T>G, p.Val44Gly (NM_000366.6, NM_001018004.2, NM_001018006.2 and 10 more transcripts); c.257T>G, p.Val86Gly (NM_001365778.1, NM_001407322.1, NM_001407323.1 and 1 more transcripts); c.240+212T>G (NM_001407336.1, NM_001018020.2, NM_001407338.1 and 7 more transcripts); short protein forms V44G, V86G.
Identifiers: ClinVar variation 3668014 (VCV003668014.2).